The following is an entry in ClinVar:

NM_000179.3(MSH6):c.1926T>A (p.Tyr642Ter)

Gene: MSH6 (mutS homolog 6; plus strand). Cytogenetic location: 2p16.3.
Variant type: single nucleotide variant.
Coding change: c.1926T>A on transcript NM_000179.3 (MANE Select); coding-DNA position 1926, T replaced by A.
Protein change: p.Tyr642Ter; replaces tyrosine 642 with a stop codon.
Molecular consequence: nonsense.
Genome position (GRCh38, 1-based): chr2:47,799,909, T>A. VCF-style: chr2-47799909-T-A. GRCh37 (hg19) VCF-style: chr2-48027048-T-A.
Other names: c.1020T>A, p.Tyr340Ter (NM_001406823.1, NM_001406829.1, NM_001281493.2 and 6 more transcripts); c.1629T>A, p.Tyr543Ter (NM_001406824.1, NM_001406825.1, NM_001406827.1 and 10 more transcripts); c.1758T>A, p.Tyr586Ter (NM_001406826.1); c.1536T>A, p.Tyr512Ter (NM_001281492.2); c.2022T>A, p.Tyr674Ter (NM_001406795.1, NM_001406802.1); c.1926T>A, p.Tyr642Ter (NM_001406796.1, NM_001406798.1, NM_001406800.1 and 3 more transcripts); c.1401T>A, p.Tyr467Ter (NM_001406799.1, NM_001406806.1, NM_001406807.1); c.1848T>A, p.Tyr616Ter (NM_001406804.1); and 1 more; short protein forms Y616*, Y512*, Y543*, Y586*, Y642*, Y674*, Y644*, Y340*.
Identifiers: ClinVar variation 1782779 (VCV001782779.2), dbSNP rs985356192, ClinGen allele CA346750331.

ClinVar aggregate classification (germline): Pathogenic (1 of 4 stars; one submission).

Conditions:
Hereditary cancer-predisposing syndrome. Also called: Neoplastic Syndromes, Hereditary; Tumor predisposition; Hereditary Cancer Syndrome; Hereditary neoplastic syndrome. Identifiers: Orphanet 140162, MedGen C0027672, MeSH D009386, MONDO:0015356.

Submission:

Ambry Genetics
Classification: Pathogenic for Hereditary cancer-predisposing syndrome. Last evaluated: 2021-03-15. Review status: criteria provided, single submitter. Criteria: Ambry Variant Classification Scheme 2023. Collection method: clinical testing. Allele origin: germline.
Comment: The p.Y642* pathogenic mutation (also known as c.1926T>A), located in coding exon 4 of the MSH6 gene, results from a T to A substitution at nucleotide position 1926. This changes the amino acid from a tyrosine to a stop codon within coding exon 4. This alteration is expected to result in loss of function by premature protein truncation or nonsense-mediated mRNA decay. As such, this alteration is interpreted as a disease-causing mutation.

Literature cited by the submitters: PubMed 31604779.